The following is an entry in ClinVar:

NM_005188.4(CBL):c.1738C>G (p.Pro580Ala)

Gene: CBL (Cbl proto-oncogene; plus strand). Cytogenetic location: 11q23.3.
Variant type: single nucleotide variant.
Coding change: c.1738C>G on transcript NM_005188.4 (MANE Select); coding-DNA position 1738, C replaced by G.
Protein change: p.Pro580Ala; replaces proline 580 with alanine.
Molecular consequence: missense variant.
Genome position (GRCh38, 1-based): chr11:119,285,363, C>G. VCF-style: chr11-119285363-C-G. GRCh37 (hg19) VCF-style: chr11-119156073-C-G.
Other names: short protein forms P580A.
Identifiers: ClinVar variation 3827821 (VCV003827821.1).

ClinVar aggregate classification (germline): Uncertain significance (1 of 4 stars; one submission).

Conditions:
Cardiovascular phenotype. Identifiers: MedGen CN230736.

Submission:

Ambry Genetics
Classification: Uncertain significance for Cardiovascular phenotype. Last evaluated: 2025-01-27. Review status: criteria provided, single submitter. Criteria: Ambry Variant Classification Scheme 2023. Collection method: clinical testing. Allele origin: germline.
Comment: The p.P580A variant (also known as c.1738C>G), located in coding exon 11 of the CBL gene, results from a C to G substitution at nucleotide position 1738. The proline at codon 580 is replaced by alanine, an amino acid with highly similar properties. This amino acid position is conserved. In addition, the in silico prediction for this alteration is inconclusive. Based on the available evidence, the clinical significance of this variant remains unclear.